The following is an entry in ClinVar:

ClinVar aggregate classification (germline): Uncertain significance (1 of 4 stars; one submission).

gnomAD v4.1: 6 of 1,614,118 alleles (0.00037%); highest among the groups gnomAD compares: Non-Finnish European, 0.00051%; no homozygotes.

Submission:

Ambry Genetics
Classification: Uncertain significance. Last evaluated: 2024-12-02. Review status: criteria provided, single submitter. Criteria: Ambry Variant Classification Scheme 2023. Collection method: clinical testing. Allele origin: germline.
Comment: The p.E576K variant (also known as c.1726G>A), located in coding exon 1 of the TET2 gene, results from a G to A substitution at nucleotide position 1726. The glutamic acid at codon 576 is replaced by lysine, an amino acid with similar properties. This amino acid position is conserved. In addition, this alteration is predicted to be tolerated by in silico analysis. Based on the available evidence, the clinical significance of this variant remains unclear.

NM_001127208.3(TET2):c.1726G>A (p.Glu576Lys)

Genes: TET2 (tet methylcytosine dioxygenase 2; plus strand), TET2-AS1 (TET2 antisense RNA 1; minus strand). Cytogenetic location: 4q24.
Variant type: single nucleotide variant.
Coding change: c.1726G>A on transcript NM_001127208.3 (MANE Select); coding-DNA position 1726, G replaced by A.
Protein change: p.Glu576Lys; replaces glutamic acid 576 with lysine.
Molecular consequence: missense variant.
Genome position (GRCh38, 1-based): chr4:105,235,668, G>A. VCF-style: chr4-105235668-G-A. GRCh37 (hg19) VCF-style: chr4-106156825-G-A.
Other names: c.1726G>A, p.Glu576Lys (NM_017628.4); short protein forms E576K.
Identifiers: ClinVar variation 3455364 (VCV003455364.1).
Genomic context (GRCh38, chr4:105,235,668, plus strand): 5'-ACACAGCACTATCTGAAACCAGGATGGATTGAATTGAAGGCCCCTCGTTTTCACCAAGCG[G>A]AATCCCATCTAAAACGTAATGAGGCATCACTGCCATCAATTCTTCAGTATCAACCCAATC-3'
Protein context (NP_001120680.1, residues 566-586): ELKAPRFHQA[Glu576Lys]SHLKRNEASL